The following is an entry in ClinVar:

NM_000540.3(RYR1):c.13502C>T (p.Pro4501Leu)

Gene: RYR1 (ryanodine receptor 1; plus strand). Cytogenetic location: 19q13.2.
Variant type: single nucleotide variant.
Coding change: c.13502C>T on transcript NM_000540.3 (MANE Select); coding-DNA position 13502, C replaced by T.
Protein change: p.Pro4501Leu; replaces proline 4501 with leucine.
Molecular consequence: missense variant.
Genome position (GRCh38, 1-based): chr19:38,566,975, C>T. VCF-style: chr19-38566975-C-T. GRCh37 (hg19) VCF-style: chr19-39057615-C-T.
Other names: NM_000540.2(RYR1):c.13502C>T; c.13487C>T, p.Pro4496Leu (NM_001042723.2); short protein forms P4501L, P4496L.
Identifiers: ClinVar variation 224403 (VCV000224403.61), dbSNP rs73933023, ClinGen allele CA059964.

ClinVar aggregate classification (germline): Benign. Review status: reviewed by expert panel (3 of 4 stars). 15 submissions from 14 submitters: Benign (1). 14 of the submissions do not count toward it. Last evaluated 2021-03-16.

Conditions:
RYR1-related disorder. Also called: RYR1-related disorders; RYR1-related condition. Identifiers: MedGen CN239331.
Congenital multicore myopathy with external ophthalmoplegia (CMYO1B). Also called: Minicore myopathy with external ophthalmoplegia; MULTICORE MYOPATHY; Congenital myopathy 1B, autosomal recessive; Minicore myopathy; MULTIMINICORE DISEASE WITH EXTERNAL OPHTHALMOPLEGIA. Identifiers: Orphanet 598, Orphanet 98905, MedGen C1850674, MONDO:0009712, OMIM 255320, HP:0003789.
Malignant hyperthermia, susceptibility to, 1 (MHS1). Also called: Anesthesia related hyperthermia; Malignant hyperpyrexia; Fulminating hyperpyrexia; Pharmacogenic myopathy; RYR1-Related Malignant Hyperthermia Susceptibility; Malignant hyperthermia suceptibility 1. Identifiers: Orphanet 423, MedGen C2930980, MONDO:0007783, OMIM 145600.
Congenital myopathy with fiber type disproportion. Also called: Congenital fiber-type disproportion myopathy; Congenital fiber-type disproportion. Identifiers: Orphanet 2020, MedGen C0546264, MONDO:0009711. Inheritance: all.
King Denborough syndrome (KDS). Identifiers: MedGen C1840365, MONDO:0020485, OMIM 619542.
Central core myopathy (CMYO1A). Also called: Central core disease; Myopathy, central fibrillar; CONGENITAL MYOPATHY 1A, AUTOSOMAL DOMINANT, WITH SUSCEPTIBILITY TO MALIGNANT HYPERTHERMIA. Identifiers: Orphanet 597, MedGen C5830701, MONDO:0007294, OMIM 117000.

Allele frequency attached by ClinVar (database versions not stated): gnomAD exomes 0.00213; ExAC 0.00477; gnomAD 0.00572 and 0.00601; ESP Exome Variant Server 0.00593; TOPMed 0.00626; 1000 Genomes Project 30x 0.01015; 1000 Genomes Project 0.01078.
gnomAD v4.1: 2,705 of 1,596,762 alleles (0.17%); highest among the groups gnomAD compares: African/African-American, 1.9%; 14 homozygotes.

Submissions (15):

ClinGen Malignant Hyperthermia Susceptibility Variant Curation Expert Panel, ClinGen
Classification: Benign for Malignant hyperthermia, susceptibility to, 1. Last evaluated: 2021-03-16. Review status: reviewed by expert panel. Criteria: ClinGen MHS ACMG Specifications V1. Collection method: curation. Allele origin: germline. Inheritance: Autosomal dominant inheritance. Study: ClinGen.
Comment: This pathogenicity assessment is relevant only for malignant hyperthermia susceptibility (MHS) inherited in an autosomal dominant pattern. Variants in RYR1 can also cause other myopathies inherited in an autosomal dominant pattern or in an autosomal recessive pattern. Some of these disorders may predispose individuals to malignant hyperthermia. RYR1 variants may also contribute to a malignant hyperthermia reaction in combination with other genetic and non-genetic factors and the clinician needs to consider such factors in making management decisions. This sequence variant predicts a substitution of Proline with Leucine at codon 4501 of the RYR1 protein, p.(Pro4501Leu). The maximum allele frequency for this variant among the six major gnomAD populations is AFR: 0.0181, which is considered to be too common for a pathogenic variant causing autosomal dominantly inherited MHS, BA1. This variant has been classified as Benign. Criteria implemented: BA1.

CeGaT Center for Human Genetics Tuebingen
Classification: Benign. Last evaluated: 2026-08-01. Review status: criteria provided, single submitter. Criteria: CeGaT Center For Human Genetics Tuebingen Variant Classification Criteria Version 2. Collection method: clinical testing. Allele origin: germline. Affected: yes. Observed: 8 variant alleles. Not counted in ClinVar's aggregate classification.
Comment: RYR1: BS1, BS2

Labcorp Genetics (formerly Invitae), Labcorp
Classification: Benign for RYR1-related disorder. Last evaluated: 2026-02-01. Review status: criteria provided, single submitter. Criteria: Invitae Variant Classification Sherloc (09022015). Collection method: clinical testing. Allele origin: germline. Not counted in ClinVar's aggregate classification.

Blueprint Genetics
Classification: Likely benign. Last evaluated: 2024-11-18. Review status: criteria provided, single submitter. Criteria: ACMG Guidelines, 2015. Collection method: clinical testing. Allele origin: germline. Not counted in ClinVar's aggregate classification.

Color Diagnostics, LLC DBA Color Health
Classification: Benign for Malignant hyperthermia, susceptibility to, 1. Last evaluated: 2022-08-03. Review status: criteria provided, single submitter. Criteria: ACMG Guidelines, 2015. Collection method: clinical testing. Allele origin: germline. Not counted in ClinVar's aggregate classification.

Fulgent Genetics
Classification: Likely benign for Central core myopathy; Malignant hyperthermia, susceptibility to, 1; Congenital myopathy 4A, autosomal dominant; Congenital multicore myopathy with external ophthalmoplegia; King Denborough syndrome. Last evaluated: 2021-07-29. Review status: criteria provided, single submitter. Criteria: ACMG Guidelines, 2015. Collection method: clinical testing. Allele origin: unknown. Not counted in ClinVar's aggregate classification.

Mayo Clinic Laboratories, Mayo Clinic
Classification: Benign. Last evaluated: 2019-04-24. Review status: criteria provided, single submitter. Criteria: ACMG Guidelines, 2015. Collection method: clinical testing. Allele origin: germline. Observed: 8 variant alleles. Not counted in ClinVar's aggregate classification.

Illumina Laboratory Services, Illumina
Classification: Likely benign for Congenital multicore myopathy with external ophthalmoplegia. Last evaluated: 2018-05-15. Review status: criteria provided, single submitter. Criteria: ICSL Variant Classification Criteria 13 December 2019. Collection method: clinical testing. Allele origin: germline. Not counted in ClinVar's aggregate classification.
Comment: This variant was observed as part of a predisposition screen in an ostensibly healthy population. A literature search was performed for the gene, cDNA change, and amino acid change (where applicable). No publications were found based on this search. Allele frequency data from public databases allowed determination this variant is unlikely to cause disease. Therefore, this variant is classified as likely benign.

Illumina Laboratory Services, Illumina
Classification: Likely benign for Malignant hyperthermia, susceptibility to, 1. Last evaluated: 2018-05-15. Review status: criteria provided, single submitter. Criteria: ICSL Variant Classification Criteria 13 December 2019. Collection method: clinical testing. Allele origin: germline. Not counted in ClinVar's aggregate classification.
Comment: This variant was observed as part of a predisposition screen in an ostensibly healthy population. A literature search was performed for the gene, cDNA change, and amino acid change (where applicable). Publications were found based on this search. The evidence from the literature, in combination with allele frequency data from public databases where available, was sufficient to determine this variant is unlikely to cause disease. Therefore, this variant is classified as likely benign.

GeneDx
Classification: Benign. Last evaluated: 2018-03-27. Review status: criteria provided, single submitter. Criteria: GeneDx Variant Classification Process June 2021. Collection method: clinical testing. Allele origin: germline. Affected: yes. Not counted in ClinVar's aggregate classification.
Comment: This variant is associated with the following publications: (PMID: 24195946, 28326467, 22995991, 21795085, 20981092, 19191329, 27884173, 28750945, 30611313)

Center for Pediatric Genomic Medicine, Children's Mercy Hospital and Clinics
Classification: Likely benign. Last evaluated: 2016-09-13. Review status: criteria provided, single submitter. Criteria: ACMG Guidelines, 2015. Collection method: clinical testing. Allele origin: germline. Not counted in ClinVar's aggregate classification.
ClinVar note: Converted during submission from Likely Benign to Likely benign.

Eurofins Ntd Llc (ga)
Classification: Benign. Last evaluated: 2016-06-08. Review status: criteria provided, single submitter. Criteria: EGL Classification Definitions 2015. Collection method: clinical testing. Allele origin: germline. Observed: 1 variant allele, 1 heterozygote. Not counted in ClinVar's aggregate classification.

Biesecker Lab/Clinical Genomics Section, National Institutes of Health
Classification: Likely benign for Malignant hyperthermia, susceptibility to, 1. Last evaluated: 2013-07-01. Review status: criteria provided, single submitter. Criteria: Gonsalves et al. 2013. Collection method: research. Allele origin: unknown. Observed: 2 variant alleles. Study: ClinSeq. Not counted in ClinVar's aggregate classification.
Comment: The study set was not selected for affection status in relation to any myopathy. Pathogenicity categories were based on literature curation. See Pubmed ID: 24195946 for details.

Breakthrough Genomics
Classification: Benign. Review status: criteria provided, single submitter. Criteria: ACMG Guidelines, 2015. Collection method: not provided. Allele origin: germline. Inheritance: Autosomal recessive inheritance. Affected: yes. Not counted in ClinVar's aggregate classification.

PreventionGenetics, part of Exact Sciences
Classification: Benign for RYR1-related condition. Last evaluated: 2019-06-19. Review status: no assertion criteria provided. Collection method: clinical testing. Allele origin: germline. Not counted in ClinVar's aggregate classification.
Comment: This variant is classified as benign based on ACMG/AMP sequence variant interpretation guidelines (Richards et al. 2015 PMID: 25741868, with internal and published modifications).

Literature cited by the submitters: PubMed 21795085 (cited by Illumina Laboratory Services, Illumina); PubMed 19191329 (cited by Illumina Laboratory Services, Illumina).